The following is an entry in ClinVar:

NM_000097.7(CPOX):c.666G>A (p.Met222Ile)

Gene: CPOX (coproporphyrinogen oxidase; minus strand). Cytogenetic location: 3q11.2.
Variant type: single nucleotide variant.
Coding change: c.666G>A on transcript NM_000097.7 (MANE Select); coding-DNA position 666, G replaced by A.
Protein change: p.Met222Ile; replaces methionine 222 with isoleucine.
Molecular consequence: missense variant.
Genome position (GRCh38, 1-based): chr3:98,591,046, C>T on the plus strand (G>A on the coding strand, the complement: CPOX is on the minus strand). VCF-style: chr3-98591046-C-T. GRCh37 (hg19) VCF-style: chr3-98309890-C-T.
Other names: p.Met222Ile; short protein forms M222I.
Identifiers: ClinVar variation 2405402 (VCV002405402.4), dbSNP rs752636733, ClinGen allele CA2511649.

ClinVar aggregate classification (germline): Uncertain significance. Review status: criteria provided, multiple submitters, no conflicts (2 of 4 stars). 3 submissions from 3 submitters: Uncertain significance (3). Last evaluated 2025-10-23.

Conditions:
Inborn genetic diseases. Identifiers: MedGen C0950123, MeSH D030342.

Allele frequency attached by ClinVar (database versions not stated): gnomAD exomes 0.00001; ExAC 0.00002; gnomAD 0.00002; TOPMed 0.00003.

Submissions (3):

Labcorp Genetics (formerly Invitae), Labcorp
Classification: Uncertain significance. Last evaluated: 2025-10-23. Review status: criteria provided, single submitter. Criteria: Invitae Variant Classification Sherloc (09022015). Collection method: clinical testing. Allele origin: germline.
Comment: This sequence change replaces methionine, which is neutral and non-polar, with isoleucine, which is neutral and non-polar, at codon 222 of the CPOX protein (p.Met222Ile). This variant is present in population databases (rs752636733, gnomAD 0.03%). This variant has not been reported in the literature in individuals affected with CPOX-related conditions. ClinVar contains an entry for this variant (Variation ID: 2405402). Invitae Evidence Modeling of protein sequence and biophysical properties (such as structural, functional, and spatial information, amino acid conservation, physicochemical variation, residue mobility, and thermodynamic stability) indicates that this missense variant is not expected to disrupt CPOX protein function with a negative predictive value of 80%. In summary, the available evidence is currently insufficient to determine the role of this variant in disease. Therefore, it has been classified as a Variant of Uncertain Significance.

Mayo Clinic Laboratories, Mayo Clinic
Classification: Uncertain significance. Last evaluated: 2024-09-03. Review status: criteria provided, single submitter. Criteria: ACMG Guidelines, 2015. Collection method: clinical testing. Allele origin: germline. Observed: 1 variant allele.
Comment: PP3

Ambry Genetics
Classification: Uncertain significance for Inborn genetic diseases. Last evaluated: 2022-11-04. Review status: criteria provided, single submitter. Criteria: Ambry Variant Classification Scheme 2023. Collection method: clinical testing. Allele origin: germline.